The following is an entry in ClinVar:

NM_001039591.3(USP9X):c.7206C>A (p.Tyr2402Ter)

Gene: USP9X (ubiquitin specific peptidase 9 X-linked; plus strand). Cytogenetic location: Xp11.4.
Variant type: single nucleotide variant.
Coding change: c.7206C>A on transcript NM_001039591.3 (MANE Select); coding-DNA position 7206, C replaced by A.
Protein change: p.Tyr2402Ter; replaces tyrosine 2402 with a stop codon.
Molecular consequence: nonsense.
Genome position (GRCh38, 1-based): chrX:41,229,397, C>A. VCF-style: chrX-41229397-C-A. GRCh37 (hg19) VCF-style: chrX-41088650-C-A.
Other names: c.7206C>A, p.Tyr2402Ter (NM_001039590.3); c.7221C>A, p.Tyr2407Ter (NM_001410748.1, NM_001410749.1); short protein forms Y2402*, Y2407*.
Identifiers: ClinVar variation 3376688 (VCV003376688.1).
Genomic context (GRCh38, chrX:41,229,397, plus strand): 5'-AAGAGCATACCAGTGTATAAAATGTATGGTAGCTCTATTTAGTAACTGTCCTGTTGCTTA[C>A]CAAATCCTGCAGGTGAGGATTTTTTTCTTATAATTTTGTAGAAATCTTAATCAGAATTAA-3'

ClinVar aggregate classification (germline): Pathogenic (1 of 4 stars; one submission).

Conditions:
Intellectual developmental disorder, X-linked 99, syndromic, female-restricted. Also called: Intellectual disability, X-linked 99, syndromic, female-restricted. Identifiers: MedGen C4225416, MONDO:0010502, OMIM 300968.

Submission:

Victorian Clinical Genetics Services, Murdoch Childrens Research Institute
Classification: Pathogenic for Intellectual developmental disorder, X-linked 99, syndromic, female-restricted. Last evaluated: 2022-02-02. Review status: criteria provided, single submitter. Criteria: ACMG Guidelines, 2015. Collection method: clinical testing. Allele origin: germline. Inheritance: X-linked dominant inheritance. Affected: yes.
Comment: Based on the classification scheme VCGS_Germline_v1.3.4, this variant is classified as Pathogenic. Following criteria are met: 0102 - Loss of function is a known mechanism of disease in this gene and is associated with X-linked intellectual disability 99 (MIM#300919) and X-linked syndromic intellectual disability 99 (MIM#300968). (I) 0108 - This gene is associated with both X-linked recessive and X-linked dominant disease. Partial loss of function missense variants result in X-linked recessive disease, predominantly affecting males. Variants resulting in a premature termination codon or a more complete loss of function are restricted to females in an X-linked dominant pattern of inheritance (PMID:31443933, PMID:26833328). (I) 0201 - Variant is predicted to cause nonsense-mediated decay (NMD) and loss of protein (premature termination codon is located at least 54 nucleotides upstream of the final exon-exon junction). (SP) 0251 - This variant is heterozygous. (I) 0301 - Variant is absent from gnomAD (both v2 and v3). (SP) 0701 - Other premature termination variants comparable to the one identified in this case have very strong previous evidence for pathogenicity. Many NMD-predicted variants have been reported in females with intellectual disability/developmental delay and multiple congenital malformations (PMID: 26833328), and as likely pathogenic/pathogenic (ClinVar and DECIPHER). (SP) 0807 - This variant has no previous evidence of pathogenicity. (I) 0905 - No published segregation evidence has been identified for this variant. (I) 1007 - No published functional evidence has been identified for this variant. (I) 1101 - Very strong and specific phenotype match for this individual. (SP) 1208 - Inheritance information for this variant is not currently available in this individual. (I) Legend: (SP) - Supporting pathogenic, (I) - Information, (SB) - Supporting benign

Literature cited by the submitters: PubMed 26833328; PubMed 31443933.